The following is an entry in ClinVar:

ClinVar aggregate classification (germline): Uncertain significance (1 of 4 stars; one submission).

Allele frequency attached by ClinVar (database versions not stated): gnomAD exomes below 0.00001.
gnomAD v4.1: 1 of 1,614,086 alleles (0.000062%); highest among the groups gnomAD compares: Non-Finnish European, 0.000085%; no homozygotes.

Submission:

Labcorp Genetics (formerly Invitae), Labcorp
Classification: Uncertain significance. Last evaluated: 2022-07-31. Review status: criteria provided, single submitter. Criteria: Invitae Variant Classification Sherloc (09022015). Collection method: clinical testing. Allele origin: germline.
Comment: This variant is present in population databases (no rsID available, gnomAD 0.0009%). This sequence change falls in intron 13 of the CACNA1D gene. It does not directly change the encoded amino acid sequence of the CACNA1D protein. It affects a nucleotide within the consensus splice site. This variant has not been reported in the literature in individuals affected with CACNA1D-related conditions. Variants that disrupt the consensus splice site are a relatively common cause of aberrant splicing (PMID: 17576681, 9536098). Algorithms developed to predict the effect of sequence changes on RNA splicing suggest that this variant may disrupt the consensus splice site. In summary, the available evidence is currently insufficient to determine the role of this variant in disease. Therefore, it has been classified as a Variant of Uncertain Significance.

Literature cited by the submitters: PubMed 17576681; PubMed 9536098.

NM_001128840.3(CACNA1D):c.1666+3A>G

Gene: CACNA1D (calcium voltage-gated channel subunit alpha1 D; plus strand). Cytogenetic location: 3p21.1.
Variant type: single nucleotide variant.
Coding change: c.1666+3A>G on transcript NM_001128840.3 (MANE Select); 3 bases into the intron after coding-DNA position 1666, A replaced by G.
Molecular consequence: intron variant.
Genome position (GRCh38, 1-based): chr3:53,722,477, A>G. VCF-style: chr3-53722477-A-G. GRCh37 (hg19) VCF-style: chr3-53756504-A-G.
Other names: c.1666+3A>G (NM_001128839.3); c.1726+3A>G (NM_000720.4).
Identifiers: ClinVar variation 2020838 (VCV002020838.4), dbSNP rs1271576877, ClinGen allele CA543530483.